The following is an entry in ClinVar:

ClinVar aggregate classification (germline): Uncertain significance. Review status: criteria provided, single submitter (1 of 4 stars). 2 submissions from 2 submitters: Uncertain significance (1). 1 of the submissions does not count toward it. Last evaluated 2022-05-03.

Conditions:
NPHP1-related disorder. Also called: NPHP1-related condition; NPHP1-related disorders.
Nephronophthisis. Also called: Juvenile Nephronophthisis. Identifiers: Orphanet 655, MedGen C0687120, MONDO:0019005, HP:0000090.

Submissions (2):

Labcorp Genetics (formerly Invitae), Labcorp
Classification: Uncertain significance for Nephronophthisis. Last evaluated: 2022-05-03. Review status: criteria provided, single submitter. Criteria: Invitae Variant Classification Sherloc (09022015). Collection method: clinical testing. Allele origin: germline.
Comment: This sequence change replaces arginine, which is basic and polar, with cysteine, which is neutral and slightly polar, at codon 303 of the NPHP1 protein (p.Arg303Cys). This variant is present in population databases (rs142670785, gnomAD 0.003%). This variant has not been reported in the literature in individuals affected with NPHP1-related conditions. Algorithms developed to predict the effect of missense changes on protein structure and function (SIFT, PolyPhen-2, Align-GVGD) all suggest that this variant is likely to be tolerated. In summary, the available evidence is currently insufficient to determine the role of this variant in disease. Therefore, it has been classified as a Variant of Uncertain Significance.

PreventionGenetics, part of Exact Sciences
Classification: Uncertain significance for NPHP1-related condition. Last evaluated: 2023-12-01. Review status: no assertion criteria provided. Collection method: clinical testing. Allele origin: germline. Not counted in ClinVar's aggregate classification.
Comment: The NPHP1 c.907C>T variant is predicted to result in the amino acid substitution p.Arg303Cys. To our knowledge, this variant has not been reported in the literature. This variant is reported in 0.0023% of alleles in individuals of European (Non-Finnish) descent in gnomAD. At this time, the clinical significance of this variant is uncertain due to the absence of conclusive functional and genetic evidence.

NM_001128178.3(NPHP1):c.771+136C>T

Gene: NPHP1 (nephrocystin 1; minus strand). Cytogenetic location: 2q13.
Variant type: single nucleotide variant.
Coding change: c.771+136C>T on transcript NM_001128178.3 (MANE Select); 136 bases into the intron after coding-DNA position 771, C replaced by T.
Molecular consequence: intron variant. On other transcripts: missense variant (2).
Genome position (GRCh38, 1-based): chr2:110,164,552, G>A on the plus strand (C>T on the coding strand, the complement: NPHP1 is on the minus strand). VCF-style: chr2-110164552-G-A. GRCh37 (hg19) VCF-style: chr2-110922129-G-A.
Other names: c.907C>T, p.Arg303Cys (NM_000272.5, NM_207181.4); c.585+136C>T (NM_001128179.3); c.771+136C>T (NM_001374256.1, NM_001374257.1); c.907C>T (NM_000272.3); short protein forms R303C.
Identifiers: ClinVar variation 2068383 (VCV002068383.2), dbSNP rs142670785, ClinGen allele CA1827258.